The following is an entry in ClinVar:

NM_001166108.2(PALLD):c.*197G>A

Genes: CBR4 (carbonyl reductase 4; minus strand), PALLD (palladin, cytoskeletal associated protein; plus strand). Cytogenetic location: 4q32.3.
Variant type: single nucleotide variant.
Coding change: c.*197G>A on transcript NM_001166108.2 (MANE Select); 197 bases downstream of the stop codon, G replaced by A.
Molecular consequence: 3 prime UTR variant. On other transcripts: missense variant (4).
Genome position (GRCh38, 1-based): chr4:168,926,377, G>A. VCF-style: chr4-168926377-G-A. GRCh37 (hg19) VCF-style: chr4-169847528-G-A.
Other names: c.2326G>A, p.Asp776Asn (NM_001166109.2); c.2011G>A, p.Asp671Asn (NM_001166110.2); c.*197G>A (NM_001367567.1, NM_001367570.1, NM_016081.4); c.1402G>A, p.Asp468Asn (NM_001367568.1); c.1351G>A, p.Asp451Asn (NM_001367569.1); short protein forms D671N, D451N, D468N, D776N.
Identifiers: ClinVar variation 3885364 (VCV003885364.1).

ClinVar aggregate classification (germline): Uncertain significance (1 of 4 stars; one submission).

gnomAD v4.1: 2 of 1,536,622 alleles (0.00013%); highest among the groups gnomAD compares: Non-Finnish European, 0.000087%; no homozygotes.

Submission:

Ambry Genetics
Classification: Uncertain significance. Last evaluated: 2025-03-08. Review status: criteria provided, single submitter. Criteria: Ambry Variant Classification Scheme 2023. Collection method: clinical testing. Allele origin: germline.
Comment: The p.D671N variant (also known as c.2011G>A), located in coding exon 11 of the PALLD gene, results from a G to A substitution at nucleotide position 2011. The aspartic acid at codon 671 is replaced by asparagine, an amino acid with highly similar properties. This amino acid position is conserved. In addition, this alteration is predicted to be tolerated by in silico analysis. Based on the available evidence, the clinical significance of this variant remains unclear.